The following is an entry in ClinVar:

ClinVar aggregate classification (germline): Benign. Review status: criteria provided, single submitter (1 of 4 stars). 2 submissions from 2 submitters: Benign (1). 1 of the submissions does not count toward it. Last evaluated 2026-09-01.

Conditions:
ZP1-related disorder. Also called: ZP1-related condition.

Allele frequency attached by ClinVar (database versions not stated): 1000 Genomes Project 30x 0.00125; 1000 Genomes Project 0.00140; ESP Exome Variant Server 0.00200; ExAC 0.00225.
gnomAD v4.1: 3,233 of 1,600,752 alleles (0.2%); highest among the groups gnomAD compares: Middle Eastern, 1.6%; 16 homozygotes.

Submissions (2):

CeGaT Center for Human Genetics Tuebingen
Classification: Benign. Last evaluated: 2026-09-01. Review status: criteria provided, single submitter. Criteria: CeGaT Center For Human Genetics Tuebingen Variant Classification Criteria Version 2. Collection method: clinical testing. Allele origin: germline. Affected: yes. Observed: 4 variant alleles.
Comment: ZP1: BP4, BS1, BS2

PreventionGenetics, part of Exact Sciences
Classification: Likely benign for ZP1-related condition. Last evaluated: 2023-05-15. Review status: no assertion criteria provided. Collection method: clinical testing. Allele origin: germline. Not counted in ClinVar's aggregate classification.
Comment: This variant is classified as likely benign based on ACMG/AMP sequence variant interpretation guidelines (Richards et al. 2015 PMID: 25741868, with internal and published modifications).

NM_207341.4(ZP1):c.319G>A (p.Asp107Asn)

Gene: ZP1 (zona pellucida glycoprotein 1; plus strand). Cytogenetic location: 11q12.2.
Variant type: single nucleotide variant.
Coding change: c.319G>A on transcript NM_207341.4 (MANE Select); coding-DNA position 319, G replaced by A.
Protein change: p.Asp107Asn; replaces aspartic acid 107 with asparagine.
Molecular consequence: missense variant.
Genome position (GRCh38, 1-based): chr11:60,869,537, G>A. VCF-style: chr11-60869537-G-A. GRCh37 (hg19) VCF-style: chr11-60637010-G-A.
Other names: c.319G>A (NM_207341.3); short protein forms D107N.
Identifiers: ClinVar variation 2641815 (VCV002641815.25), dbSNP rs145707301, ClinGen allele CA6027257.